The following is an entry in ClinVar:

ClinVar aggregate classification (germline): Pathogenic (1 of 4 stars; one submission).

Submission:

Labcorp Genetics (formerly Invitae), Labcorp
Classification: Pathogenic. Last evaluated: 2022-12-08. Review status: criteria provided, single submitter. Criteria: Invitae Variant Classification Sherloc (09022015). Collection method: clinical testing. Allele origin: unknown.
Comment: For these reasons, this variant has been classified as Pathogenic. This variant has not been reported in the literature in individuals affected with TTLL5-related conditions. This variant is a gross deletion of the genomic region encompassing exon(s) 19-27 of the TTLL5 gene. This deletion is out-of-frame, and is expected to create a premature termination codon and result in an absent or disrupted protein product. Loss-of-function variants in TTLL5 are known to be pathogenic (PMID: 24791901, 27162334).

Literature cited by the submitters: PubMed 24791901; PubMed 27162334.

NC_000014.8:g.(?_76230938)_(76259463_?)del

Gene: TTLL5 (tubulin tyrosine ligase like 5; plus strand). Cytogenetic location: 14q24.3.
Variant type: Deletion.
Identifiers: ClinVar variation 3244093 (VCV003244093.1).